The following is an entry in ClinVar:

NM_022436.3(ABCG5):c.*285G>C

Genes: ABCG5 (ATP binding cassette subfamily G member 5; minus strand), DYNC2LI1 (dynein cytoplasmic 2 light intermediate chain 1; plus strand). Cytogenetic location: 2p21.
Variant type: single nucleotide variant.
Coding change: c.*285G>C on transcript NM_022436.3 (MANE Select); 285 bases downstream of the stop codon, G replaced by C.
Molecular consequence: 3 prime UTR variant. On other transcripts: intron variant (2).
Genome position (GRCh38, 1-based): chr2:43,812,831, C>G on the plus strand (G>C on the coding strand, the complement: ABCG5 is on the minus strand). VCF-style: chr2-43812831-C-G. GRCh37 (hg19) VCF-style: chr2-44039970-C-G.
Other names: c.*15+2307C>G (NM_001348913.2, NM_001348912.2).
Identifiers: ClinVar variation 336033 (VCV000336033.31), dbSNP rs114868704, ClinGen allele CA10615225.

ClinVar aggregate classification (germline): Conflicting classifications of pathogenicity. Review status: criteria provided, conflicting classifications (1 of 4 stars). 3 submissions from 3 submitters: Uncertain significance (1); Likely benign (2). Last evaluated 2023-02-01.

Conditions:
Sitosterolemia 1. Identifiers: MedGen C2749759, MONDO:0020747, OMIM 210250.

Allele frequency attached by ClinVar (database versions not stated): TOPMed 0.00524; 1000 Genomes Project 0.00319; 1000 Genomes Project 30x 0.00359.
gnomAD v4.1: 2,493 of 370,858 alleles (0.67%); highest among the groups gnomAD compares: Non-Finnish European, 0.88%; 16 homozygotes.

Submissions (3):

CeGaT Center for Human Genetics Tuebingen
Classification: Likely benign. Last evaluated: 2023-02-01. Review status: criteria provided, single submitter. Criteria: CeGaT Center For Human Genetics Tuebingen Variant Classification Criteria Version 2. Collection method: clinical testing. Allele origin: germline. Affected: yes. Observed: 2 variant alleles.
Comment: ABCG5: BS2

GeneDx
Classification: Likely benign. Last evaluated: 2018-07-10. Review status: criteria provided, single submitter. Criteria: GeneDx Variant Classification Process June 2021. Collection method: clinical testing. Allele origin: germline. Affected: yes.

Illumina Laboratory Services, Illumina
Classification: Uncertain significance for Sitosterolemia 1. Last evaluated: 2018-01-13. Review status: criteria provided, single submitter. Criteria: ICSL Variant Classification Criteria 13 December 2019. Collection method: clinical testing. Allele origin: germline.